The following is an entry in ClinVar:

NM_032043.3(BRIP1):c.3023dup (p.Leu1008fs)

Gene: BRIP1 (BRCA1 interacting DNA helicase 1; minus strand). Cytogenetic location: 17q23.2.
Variant type: Duplication.
Coding change: c.3023dup on transcript NM_032043.3 (MANE Select); coding-DNA position 3023, one base duplicated (T; older notation c.3023dupT).
Protein change: p.Leu1008fs; shifts the reading frame from leucine 1008.
Molecular consequence: frameshift variant.
Genome position (GRCh38, 1-based): chr17:61,684,023, A duplicated on the plus strand (T on the coding strand, the reverse complement: BRIP1 is on the minus strand); the first of 3 consecutive A bases (chr17:61,684,023-61,684,025); duplicating any one gives the same sequence. VCF-style (leftmost placement, unchanged base first): chr17-61684022-C-CA. GRCh37 (hg19) VCF-style: chr17-59761383-C-CA.
Other names: short protein forms L1008fs.
Identifiers: ClinVar variation 1517122 (VCV001517122.7), dbSNP rs2144091008, ClinGen allele CA2573154344.

ClinVar aggregate classification (germline): Uncertain significance (1 of 4 stars; one submission).

Conditions:
Familial cancer of breast. Also called: hereditary breast carcinoma; Hereditary breast cancer; BREAST CANCER, FAMILIAL. Identifiers: Orphanet 227535, MedGen C0346153, MONDO:0016419, OMIM 114480. Disease mechanism: loss of function.
Fanconi anemia complementation group J. Also called: BRIP1-Related Fanconi Anemia. Identifiers: Orphanet 84, MedGen C1836860, MONDO:0012187, OMIM 609054.

Submission:

Labcorp Genetics (formerly Invitae), Labcorp
Classification: Uncertain significance for Familial cancer of breast; Fanconi anemia complementation group J. Last evaluated: 2025-07-15. Review status: criteria provided, single submitter. Criteria: Invitae Variant Classification Sherloc (09022015). Collection method: clinical testing. Allele origin: germline.
Comment: This sequence change creates a premature translational stop signal (p.Leu1008Phefs*8) in the BRIP1 gene. While this is not anticipated to result in nonsense mediated decay, it is expected to disrupt the last 242 amino acid(s) of the BRIP1 protein. This variant is not present in population databases (gnomAD no frequency). This variant has not been reported in the literature in individuals affected with BRIP1-related conditions. ClinVar contains an entry for this variant (Variation ID: 1517122). In summary, the available evidence is currently insufficient to determine the role of this variant in disease. Therefore, it has been classified as a Variant of Uncertain Significance.